The following is an entry in ClinVar:

NM_015346.4(ZFYVE26):c.5790+1G>A

Gene: ZFYVE26 (zinc finger FYVE-type containing 26; minus strand). Cytogenetic location: 14q24.1.
Variant type: single nucleotide variant.
Coding change: c.5790+1G>A on transcript NM_015346.4 (MANE Select); the canonical splice donor site of the intron after coding-DNA position 5790, G replaced by A.
Molecular consequence: splice donor variant.
Genome position (GRCh38, 1-based): chr14:67,767,703, C>T on the plus strand (G>A on the coding strand, the complement: ZFYVE26 is on the minus strand). VCF-style: chr14-67767703-C-T. GRCh37 (hg19) VCF-style: chr14-68234420-C-T.
Identifiers: ClinVar variation 1067230 (VCV001067230.7), dbSNP rs1340106074, ClinGen allele CA390166236.

ClinVar aggregate classification (germline): Likely pathogenic (1 of 4 stars; one submission).

Conditions:
Spastic paraplegia. Identifiers: MedGen C0037772, HP:0001258.

Allele frequency attached by ClinVar (database versions not stated): TOPMed below 0.00001.
gnomAD v4.1: 5 of 1,614,100 alleles (0.00031%); highest among the groups gnomAD compares: Non-Finnish European, 0.00042%; no homozygotes.

Submission:

Labcorp Genetics (formerly Invitae), Labcorp
Classification: Likely pathogenic for Spastic paraplegia. Last evaluated: 2022-04-20. Review status: criteria provided, single submitter. Criteria: Invitae Variant Classification Sherloc (09022015). Collection method: clinical testing. Allele origin: germline.
Comment: Algorithms developed to predict the effect of sequence changes on RNA splicing suggest that this variant may disrupt the consensus splice site. In summary, the currently available evidence indicates that the variant is pathogenic, but additional data are needed to prove that conclusively. Therefore, this variant has been classified as Likely Pathogenic. ClinVar contains an entry for this variant (Variation ID: 1067230). This sequence change affects a donor splice site in intron 31 of the ZFYVE26 gene. It is expected to disrupt RNA splicing. Variants that disrupt the donor or acceptor splice site typically lead to a loss of protein function (PMID: 16199547), and loss-of-function variants in ZFYVE26 are known to be pathogenic (PMID: 18394578, 19805727). This variant is not present in population databases (gnomAD no frequency). This variant has not been reported in the literature in individuals affected with ZFYVE26-related conditions.

Literature cited by the submitters: PubMed 16199547; PubMed 18394578; PubMed 19805727.